The following is an entry in ClinVar:

NM_005378.6(MYCN):c.131C>A (p.Pro44His)

Genes: MYCN (MYCN proto-oncogene, bHLH transcription factor; plus strand), MYCNOS (MYCN opposite strand; minus strand). Cytogenetic location: 2p24.3.
Variant type: single nucleotide variant.
Coding change: c.131C>A on transcript NM_005378.6 (MANE Select); coding-DNA position 131, C replaced by A.
Protein change: p.Pro44His; replaces proline 44 with histidine.
Molecular consequence: missense variant. On other transcripts: non-coding transcript variant (1), 3 prime UTR variant (1), intron variant (1).
Genome position (GRCh38, 1-based): chr2:15,942,195, C>A. VCF-style: chr2-15942195-C-A. GRCh37 (hg19) VCF-style: chr2-16082317-C-A.
Other names: c.131C>A, p.Pro44His (NM_001293228.2); c.*66C>A (NM_001293233.2); c.157+1452C>A (NM_001293231.2); short protein forms P44H.
Identifiers: ClinVar variation 3058202 (VCV003058202.2), dbSNP rs1057519919, ClinGen allele CA345930222.
Genomic context (GRCh38, chr2:15,942,195, plus strand): 5'-TACAGCCCTGCTTCTACCCGGACGAAGATGACTTCTACTTCGGCGGCCCCGACTCGACCC[C>A]CCCGGGGGAGGACATCTGGAAGAAGTTTGAGCTGCTGCCCACGCCCCCGCTGTCGCCCAG-3'
Protein context (NP_005369.2, residues 34-54): DFYFGGPDST[Pro44His]PGEDIWKKFE

ClinVar aggregate classification (germline): Uncertain significance (0 of 4 stars; one submission).

Conditions:
MYCN-related disorder. Also called: MYCN-related condition.

Submission:

PreventionGenetics, part of Exact Sciences
Classification: Uncertain significance for MYCN-related condition. Last evaluated: 2024-01-09. Review status: no assertion criteria provided. Collection method: clinical testing. Allele origin: germline.
Comment: The MYCN c.131C>A variant is predicted to result in the amino acid substitution p.Pro44His. To our knowledge, this variant has not been reported in the literature or in a large population database, indicating this variant is rare. At this time, the clinical significance of this variant is uncertain due to the absence of conclusive functional and genetic evidence.